The following is an entry in ClinVar:

NM_001131016.2(CIZ1):c.1365A>G (p.Val455=)

Gene: CIZ1 (CDKN1A interacting zinc finger protein 1; minus strand). Cytogenetic location: 9q34.11.
Variant type: single nucleotide variant.
Coding change: c.1365A>G on transcript NM_001131016.2 (MANE Select); coding-DNA position 1365, A replaced by G.
Protein change: p.Val455=; no amino-acid change (valine 455 retained).
Molecular consequence: synonymous variant.
Genome position (GRCh38, 1-based): chr9:128,178,842, T>C on the plus strand (A>G on the coding strand, the complement: CIZ1 is on the minus strand). VCF-style: chr9-128178842-T-C. GRCh37 (hg19) VCF-style: chr9-130941121-T-C.
Other names: c.1197A>G, p.Val399= (NM_001131015.2); c.1182A>G, p.Val394= (NM_001131017.2); c.1125A>G, p.Val375= (NM_001131018.2); c.1455A>G, p.Val485= (NM_001257975.2); c.1062A>G, p.Val354= (NM_001257976.2); c.1365A>G, p.Val455= (NM_012127.3).
Identifiers: ClinVar variation 413838 (VCV000413838.35), dbSNP rs11549263, ClinGen allele CA5257324.

ClinVar aggregate classification (germline): Benign. Review status: criteria provided, multiple submitters, no conflicts (2 of 4 stars). 3 submissions from 3 submitters: Benign (3). Last evaluated 2026-02-04.

Conditions:
Dystonic disorder. Also called: Dystonia. Identifiers: MedGen C0013421, MONDO:0003441, HP:0001332.

Allele frequency attached by ClinVar (database versions not stated): TOPMed 0.00638; gnomAD 0.00665 and 0.00682; gnomAD exomes 0.00765 and 0.01006; ExAC 0.00790; ESP Exome Variant Server 0.00800; 1000 Genomes Project 30x 0.00500; 1000 Genomes Project 0.00559.
gnomAD v4.1: 15,610 of 1,614,230 alleles (0.97%); highest among the groups gnomAD compares: South Asian, 1.4%; 92 homozygotes.

Submissions (3):

Labcorp Genetics (formerly Invitae), Labcorp
Classification: Benign for Dystonic disorder. Last evaluated: 2026-02-04. Review status: criteria provided, single submitter. Criteria: Invitae Variant Classification Sherloc (09022015). Collection method: clinical testing. Allele origin: germline.

CeGaT Center for Human Genetics Tuebingen
Classification: Benign. Last evaluated: 2023-10-01. Review status: criteria provided, single submitter. Criteria: CeGaT Center For Human Genetics Tuebingen Variant Classification Criteria Version 2. Collection method: clinical testing. Allele origin: germline. Affected: yes. Observed: 11 variant alleles.
Comment: CIZ1: BP4, BP7, BS1, BS2

Breakthrough Genomics
Classification: Benign. Review status: criteria provided, single submitter. Criteria: ACMG Guidelines, 2015. Collection method: not provided. Allele origin: germline. Inheritance: Unknown mechanism. Affected: yes.